The following is an entry in ClinVar:

ClinVar aggregate classification (germline): Benign (0 of 4 stars; one submission).

Conditions:
PRKAG3-related disorder. Also called: PRKAG3-related condition.

Allele frequency attached by ClinVar (database versions not stated): ESP Exome Variant Server 0.00015; TOPMed 0.00030; gnomAD 0.00113; ExAC 0.00464; 1000 Genomes Project 30x 0.00890; 1000 Genomes Project 0.00978.
gnomAD v4.1: 2,722 of 1,611,848 alleles (0.17%); highest among the groups gnomAD compares: South Asian, 2.8%; 65 homozygotes.

Submission:

PreventionGenetics, part of Exact Sciences
Classification: Benign for PRKAG3-related condition. Last evaluated: 2019-12-02. Review status: no assertion criteria provided. Collection method: clinical testing. Allele origin: germline.
Comment: This variant is classified as benign based on ACMG/AMP sequence variant interpretation guidelines (Richards et al. 2015 PMID: 25741868, with internal and published modifications).

NM_017431.4(PRKAG3):c.633+10C>T

Gene: PRKAG3 (protein kinase AMP-activated non-catalytic subunit gamma 3; minus strand). Cytogenetic location: 2q35.
Variant type: single nucleotide variant.
Coding change: c.633+10C>T on transcript NM_017431.4 (MANE Select); 10 bases into the intron after coding-DNA position 633, C replaced by T.
Molecular consequence: intron variant.
Genome position (GRCh38, 1-based): chr2:218,829,968, G>A on the plus strand (C>T on the coding strand, the complement: PRKAG3 is on the minus strand). VCF-style: chr2-218829968-G-A. GRCh37 (hg19) VCF-style: chr2-219694691-G-A.
Identifiers: ClinVar variation 3042392 (VCV003042392.2), dbSNP rs370486325, ClinGen allele CA2113352.